The following is an entry in ClinVar:

NM_001244008.2(KIF1A):c.4538T>C (p.Leu1513Pro)

Gene: KIF1A (kinesin family member 1A; minus strand). Cytogenetic location: 2q37.3.
Variant type: single nucleotide variant.
Coding change: c.4538T>C on transcript NM_001244008.2 (MANE Select); coding-DNA position 4538, T replaced by C.
Protein change: p.Leu1513Pro; replaces leucine 1513 with proline.
Molecular consequence: missense variant.
Genome position (GRCh38, 1-based): chr2:240,722,583, A>G on the plus strand (T>C on the coding strand, the complement: KIF1A is on the minus strand). VCF-style: chr2-240722583-A-G. GRCh37 (hg19) VCF-style: chr2-241662000-A-G.
Other names: c.4262T>C, p.Leu1421Pro (NM_001320705.2, NM_001379649.1); c.4289T>C, p.Leu1430Pro (NM_001330289.2); c.4337T>C, p.Leu1446Pro (NM_001330290.2, NM_001379648.1); c.4613T>C, p.Leu1538Pro (NM_001379631.1); c.4514T>C, p.Leu1505Pro (NM_001379632.1); c.4511T>C, p.Leu1504Pro (NM_001379633.1, NM_001379645.1); c.4364T>C, p.Leu1455Pro (NM_001379634.1); c.4361T>C, p.Leu1454Pro (NM_001379635.1, NM_001379646.1); and 7 more; short protein forms L1421P, L1450P, L1505P, L1538P, L1412P, L1513P, L1411P, L1429P.
Identifiers: ClinVar variation 1521994 (VCV001521994.8), dbSNP rs2125598231, ClinGen allele CA351304280.

ClinVar aggregate classification (germline): Uncertain significance (1 of 4 stars; one submission).

Conditions:
Hereditary spastic paraplegia 30. Identifiers: Orphanet 101010, MedGen C5235139, MONDO:0012476.
Neuropathy, hereditary sensory, type 2C. Also called: Hereditary sensory and autonomic neuropathy type IIC; KIF1A-Related HSAN2 (HSAN2C). Identifiers: Orphanet 970, MedGen C3280168, MONDO:0013634, OMIM 614213.
Intellectual disability, autosomal dominant 9 (NESCAVS). Also called: NESCAV SYNDROME; KIF1A-Related Neurodevelopmental Disorder. Identifiers: Orphanet 662367, MedGen C5393830, MONDO:0013656, OMIM 614255.

Submission:

Labcorp Genetics (formerly Invitae), Labcorp
Classification: Uncertain significance for Hereditary spastic paraplegia 30; Neuropathy, hereditary sensory, type 2C; Intellectual disability, autosomal dominant 9. Last evaluated: 2021-07-15. Review status: criteria provided, single submitter. Criteria: Invitae Variant Classification Sherloc (09022015). Collection method: clinical testing. Allele origin: germline.
Comment: In summary, the available evidence is currently insufficient to determine the role of this variant in disease. Therefore, it has been classified as a Variant of Uncertain Significance. Advanced modeling of protein sequence and biophysical properties (such as structural, functional, and spatial information, amino acid conservation, physicochemical variation, residue mobility, and thermodynamic stability) performed at Invitae indicates that this missense variant is not expected to disrupt KIF1A protein function. This variant has not been reported in the literature in individuals with KIF1A-related conditions. This variant is not present in population databases (ExAC no frequency). This sequence change replaces leucine with proline at codon 1412 of the KIF1A protein (p.Leu1412Pro). The leucine residue is moderately conserved and there is a moderate physicochemical difference between leucine and proline.